The following is an entry in ClinVar:

ClinVar aggregate classification (germline): Pathogenic (1 of 4 stars; one submission).

Conditions:
Aicardi-Goutieres syndrome 6 (AGS6). Identifiers: Orphanet 51, MedGen C3539013, MONDO:0014007, OMIM 615010.
Symmetrical dyschromatosis of extremities (DSH). Also called: Dyschromatosis symmetrica hereditaria; RETICULATE ACROPIGMENTATION OF DOHI; SYMMETRIC DYSCHROMATOSIS OF THE EXTREMITIES; DYSCHROMATOSIS SYMMETRICA HEREDITARIA 1. Identifiers: Orphanet 41, MedGen C0406775, MONDO:0007483, OMIM 127400.

Submission:

Labcorp Genetics (formerly Invitae), Labcorp
Classification: Pathogenic for Aicardi-Goutieres syndrome 6; Symmetrical dyschromatosis of extremities. Last evaluated: 2022-11-22. Review status: criteria provided, single submitter. Criteria: Invitae Variant Classification Sherloc (09022015). Collection method: clinical testing. Allele origin: germline.
Comment: This sequence change creates a premature translational stop signal (p.Gly115Alafs*19) in the ADAR gene. It is expected to result in an absent or disrupted protein product. Loss-of-function variants in ADAR are known to be pathogenic (PMID: 22974014). This variant is not present in population databases (gnomAD no frequency). This variant has not been reported in the literature in individuals affected with ADAR-related conditions. ClinVar contains an entry for this variant (Variation ID: 1454211). For these reasons, this variant has been classified as Pathogenic.

Literature cited by the submitters: PubMed 22974014.

NM_001111.5(ADAR):c.344del (p.Gly115fs)

Gene: ADAR (adenosine deaminase RNA specific; minus strand). Cytogenetic location: 1q21.3.
Variant type: Deletion.
Coding change: c.344del on transcript NM_001111.5 (MANE Select); coding-DNA position 344, one base deleted (G; older notation c.344delG).
Protein change: p.Gly115fs; shifts the reading frame from glycine 115.
Molecular consequence: frameshift variant. On other transcripts: 5 prime UTR variant (3), intron variant (3).
Genome position (GRCh38, 1-based): chr1:154,602,298, C deleted on the plus strand (G on the coding strand, the reverse complement: ADAR is on the minus strand); the first of 2 consecutive C bases (chr1:154,602,298-154,602,299); deleting either gives the same sequence. VCF-style (leftmost placement, unchanged base first): chr1-154602297-GC-G. GRCh37 (hg19) VCF-style: chr1-154574773-GC-G.
Other names: c.-542del (NM_001025107.3, NM_001193495.2, NM_001365048.1); c.371del, p.Gly124fs (NM_001365045.1); c.344del, p.Gly115fs (NM_015840.4, NM_015841.4); c.-492-50del (NM_001365046.1, NM_001365049.1, NM_001365047.1); short protein forms G115fs, G124fs.
Identifiers: ClinVar variation 1454211 (VCV001454211.6), dbSNP rs2101644365, ClinGen allele CA2573131083.
Genomic context (GRCh38, chr1:154,602,297, plus strand): 5'-GATACTCAGTTCCTGGAAATGTGAGGAAAGGCAATCAACACCTCTCTGTGGCAGACTCCT[GC>G]CACGTGGTGAAGGATGCTGGAACCCTCTCTGGAGCCCCTGACTTCTGAGATGCACGCCCC-3'